The following is an entry in ClinVar:

NM_006612.6(KIF1C):c.952C>T (p.Arg318Cys)

Genes: KIF1C (kinesin family member 1C; plus strand), LOC126862472 (CDK7 strongly-dependent group 2 enhancer GRCh37_chr17:4906716-4907915; plus strand). Cytogenetic location: 17p13.2.
Variant type: single nucleotide variant.
Coding change: c.952C>T on transcript NM_006612.6 (MANE Select); coding-DNA position 952, C replaced by T.
Protein change: p.Arg318Cys; replaces arginine 318 with cysteine.
Molecular consequence: missense variant.
Genome position (GRCh38, 1-based): chr17:5,004,578, C>T. VCF-style: chr17-5004578-C-T. GRCh37 (hg19) VCF-style: chr17-4907873-C-T.
Other names: c.952C>T (NM_006612.5); short protein forms R318C.
Identifiers: ClinVar variation 3768966 (VCV003768966.2).

ClinVar aggregate classification (germline): Uncertain significance. Review status: criteria provided, multiple submitters, no conflicts (2 of 4 stars). 2 submissions from 2 submitters: Uncertain significance (2). Last evaluated 2025-05-16.

Conditions:
Inborn genetic diseases. Identifiers: MedGen C0950123, MeSH D030342.

gnomAD v4.1: 9 of 1,614,010 alleles (0.00056%); highest among the groups gnomAD compares: Non-Finnish European, 0.00051%; no homozygotes.

Submissions (2):

Ambry Genetics
Classification: Uncertain significance for Inborn genetic diseases. Last evaluated: 2025-05-16. Review status: criteria provided, single submitter. Criteria: Ambry Variant Classification Scheme 2023. Collection method: clinical testing. Allele origin: germline.

Women's Health and Genetics/Laboratory Corporation of America, LabCorp
Classification: Uncertain significance. Last evaluated: 2025-02-19. Review status: criteria provided, single submitter. Criteria: LabCorp Variant Classification Summary - May 2015. Collection method: clinical testing. Allele origin: germline.
Comment: Variant summary: KIF1C c.952C>T (p.Arg318Cys) results in a non-conservative amino acid change located in the Kinesin motor domain (IPR001752) of the encoded protein sequence. Five of five in-silico tools predict a damaging effect of the variant on protein function. The variant allele was found at a frequency of 1.2e-05 in 251248 control chromosomes (gnomAD). The available data on variant occurrences in the general population are insufficient to allow any conclusion about variant significance. To our knowledge, no occurrence of c.952C>T in individuals affected with Spastic Ataxia 2 and no experimental evidence demonstrating its impact on protein function have been reported. No submitters have cited clinical-significance assessments for this variant to ClinVar. Based on the evidence outlined above, the variant was classified as uncertain significance.